The following is an entry in ClinVar:

ClinVar aggregate classification (germline): Likely benign (1 of 4 stars; one submission).

gnomAD v4.1: 18 of 1,613,602 alleles (0.0011%); highest among the groups gnomAD compares: Admixed American, 0.03%; no homozygotes.

Submission:

CeGaT Center for Human Genetics Tuebingen
Classification: Likely benign. Last evaluated: 2026-06-01. Review status: criteria provided, single submitter. Criteria: CeGaT Center For Human Genetics Tuebingen Variant Classification Criteria Version 2. Collection method: clinical testing. Allele origin: germline. Affected: yes. Observed: 1 variant allele.
Comment: IQSEC1: BP4, BP7

NM_001134382.3(IQSEC1):c.2622C>T (p.Ser874=)

Gene: IQSEC1 (IQ motif and Sec7 domain ArfGEF 1; minus strand). Cytogenetic location: 3p25.2.
Variant type: single nucleotide variant.
Coding change: c.2622C>T on transcript NM_001134382.3 (MANE Select); coding-DNA position 2622, C replaced by T.
Protein change: p.Ser874=; no amino-acid change (serine 874 retained).
Molecular consequence: synonymous variant.
Genome position (GRCh38, 1-based): chr3:12,908,482, G>A on the plus strand (C>T on the coding strand, the complement: IQSEC1 is on the minus strand). VCF-style: chr3-12908482-G-A. GRCh37 (hg19) VCF-style: chr3-12949982-G-A.
Other names: c.2298C>T, p.Ser766= (NM_001330619.3); c.2946C>T, p.Ser982= (NM_001376938.2); c.2664C>T, p.Ser888= (NM_014869.8).
Identifiers: ClinVar variation 4874562 (VCV004874562.2).